The following is an entry in ClinVar:

NM_020461.4(TUBGCP6):c.3166_3169delinsCCACGGGCAGGGTGGGTGGAACACCCACC (p.Val1056fs)

Gene: TUBGCP6 (tubulin gamma complex component 6; minus strand). Cytogenetic location: 22q13.33.
Variant type: Indel.
Coding change: c.3166_3169delinsCCACGGGCAGGGTGGGTGGAACACCCACC on transcript NM_020461.4 (MANE Select); coding-DNA positions 3166 to 3169, GTGT replaced by CCACGGGCAGGGTGGGTGGAACACCCACC.
Protein change: p.Val1056fs; shifts the reading frame from valine 1056.
Molecular consequence: frameshift variant.
Genome position (GRCh38, 1-based): chr22:50,221,190-50,221,193, ACAC replaced by GGTGGGTGTTCCACCCACCCTGCCCGTGG on the plus strand (GTGT replaced by CCACGGGCAGGGTGGGTGGAACACCCACC on the coding strand, the reverse complement: TUBGCP6 is on the minus strand). GRCh37 (hg19): chr22:50,659,619-50,659,622.
Other names: short protein forms V1056fs.
Identifiers: ClinVar variation 1993141 (VCV001993141.4), dbSNP rs2519136614, ClinGen allele CA2580100104.
Genomic context (GRCh38, chr22:50,221,190, plus strand): 5'-ACCGTGGCTGGGTGGGAGCCACATCTGACACATTCTCCCCGACCCTGATGCTGGCGTCAG[ACAC>GGTGGGTGTTCCACCCACCCTGCCCGTGG]GTGCCCGTGGGTGTTCCACCGTGGCCGGGTGGGAGCTATTTCAGAAGCGTAGTCCCCTGT-3'

ClinVar aggregate classification (germline): Pathogenic (1 of 4 stars; one submission).

Submission:

Labcorp Genetics (formerly Invitae), Labcorp
Classification: Pathogenic. Last evaluated: 2022-05-11. Review status: criteria provided, single submitter. Criteria: Invitae Variant Classification Sherloc (09022015). Collection method: clinical testing. Allele origin: germline.
Comment: For these reasons, this variant has been classified as Pathogenic. This variant has not been reported in the literature in individuals affected with TUBGCP6-related conditions. This variant is not present in population databases (gnomAD no frequency). This sequence change creates a premature translational stop signal (p.Val1056Profs*11) in the TUBGCP6 gene. It is expected to result in an absent or disrupted protein product. Loss-of-function variants in TUBGCP6 are known to be pathogenic (PMID: 25344692).

Literature cited by the submitters: PubMed 25344692.